The following is an entry in ClinVar:

ClinVar aggregate classification (germline): Uncertain significance (1 of 4 stars; one submission).

Conditions:
Glycogen storage disease due to muscle beta-enolase deficiency (GSD13). Also called: Glycogen Storage Disease Type XIII; ENOLASE 3 DEFICIENCY; ENOLASE-BETA DEFICIENCY; GSD XIII. Identifiers: Orphanet 99849, MedGen C2752027, MONDO:0013046, OMIM 612932.

Allele frequency attached by ClinVar (database versions not stated): gnomAD exomes 0.00003 and 0.00005; ExAC 0.00006; ESP Exome Variant Server 0.00008; gnomAD 0.00008 and 0.00009; TOPMed 0.00009; 1000 Genomes Project 0.00020; 1000 Genomes Project 30x 0.00031.
gnomAD v4.1: 53 of 1,614,226 alleles (0.0033%); highest among the groups gnomAD compares: African/African-American, 0.023%; no homozygotes.

Submission:

Labcorp Genetics (formerly Invitae), Labcorp
Classification: Uncertain significance for Glycogen storage disease due to muscle beta-enolase deficiency. Last evaluated: 2021-08-30. Review status: criteria provided, single submitter. Criteria: Invitae Variant Classification Sherloc (09022015). Collection method: clinical testing. Allele origin: germline.
Comment: This sequence change replaces alanine with valine at codon 233 of the ENO3 protein (p.Ala233Val). The alanine residue is weakly conserved and there is a small physicochemical difference between alanine and valine. This variant is present in population databases (rs142982636, ExAC 0.03%). This variant has not been reported in the literature in individuals affected with ENO3-related conditions. Algorithms developed to predict the effect of missense changes on protein structure and function (SIFT, PolyPhen-2, Align-GVGD) all suggest that this variant is likely to be tolerated. Algorithms developed to predict the effect of sequence changes on RNA splicing suggest that this variant may create or strengthen a splice site. In summary, the available evidence is currently insufficient to determine the role of this variant in disease. Therefore, it has been classified as a Variant of Uncertain Significance.

NM_053013.4(ENO3):c.698C>T (p.Ala233Val)

Gene: ENO3 (enolase 3; plus strand). Cytogenetic location: 17p13.2.
Variant type: single nucleotide variant.
Coding change: c.698C>T on transcript NM_053013.4 (MANE Select); coding-DNA position 698, C replaced by T.
Protein change: p.Ala233Val; replaces alanine 233 with valine.
Molecular consequence: missense variant.
Genome position (GRCh38, 1-based): chr17:4,955,437, C>T. VCF-style: chr17-4955437-C-T. GRCh37 (hg19) VCF-style: chr17-4858732-C-T.
Other names: c.569C>T, p.Ala190Val (NM_001193503.2); c.698C>T, p.Ala233Val (NM_001976.5); short protein forms A233V, A190V.
Identifiers: ClinVar variation 651358 (VCV000651358.6), dbSNP rs142982636, ClinGen allele CA8316398.